The following is an entry in ClinVar:

ClinVar aggregate classification (germline): Uncertain significance. Review status: criteria provided, multiple submitters, no conflicts (2 of 4 stars). 4 submissions from 4 submitters: Uncertain significance (4). Last evaluated 2025-12-01.

Conditions:
Cardiovascular phenotype. Identifiers: MedGen CN230736.
Catecholaminergic polymorphic ventricular tachycardia 1. Also called: VENTRICULAR TACHYCARDIA, STRESS-INDUCED POLYMORPHIC 1; VENTRICULAR TACHYCARDIA, CATECHOLAMINERGIC POLYMORPHIC, 1, WITH OR WITHOUT ATRIAL DYSFUNCTION AND/OR DILATED CARDIOMYOPATHY; RYR2-Related Catecholaminergic Polymorphic Ventricular Tachycardia. Identifiers: Orphanet 3286, MedGen C1631597, MONDO:0011484, OMIM 604772.
Cardiomyopathy (CMYO). Also called: Cardiomyopathies. Identifiers: Orphanet 167848, MedGen C0878544, MONDO:0004994, HP:0001638. Inheritance: Various modes of inheritance.
Catecholaminergic polymorphic ventricular tachycardia (CVPT). Also called: Catecholamine-induced polymorphic ventricular tachycardia. Identifiers: Orphanet 3286, MedGen C5574922, MONDO:0017990.

Allele frequency attached by ClinVar (database versions not stated): gnomAD 0.00001; TOPMed 0.00001.
gnomAD v4.1: 1 of 1,542,448 alleles (0.000065%); highest among the groups gnomAD compares: African/African-American, 0.0014%; no homozygotes.

Submissions (4):

Ambry Genetics
Classification: Uncertain significance for Cardiovascular phenotype. Last evaluated: 2025-12-01. Review status: criteria provided, single submitter. Criteria: Ambry Variant Classification Scheme 2023. Collection method: clinical testing. Allele origin: germline.
Comment: The p.I2770M variant (also known as c.8310T>G), located in coding exon 56 of the RYR2 gene, results from a T to G substitution at nucleotide position 8310. The isoleucine at codon 2770 is replaced by methionine, an amino acid with highly similar properties. This amino acid position is well conserved in available vertebrate species. In addition, the in silico prediction for this alteration is inconclusive. Based on the available evidence, the clinical significance of this variant remains unclear.

Labcorp Genetics (formerly Invitae), Labcorp
Classification: Uncertain significance for Catecholaminergic polymorphic ventricular tachycardia 1. Last evaluated: 2025-11-05. Review status: criteria provided, single submitter. Criteria: Invitae Variant Classification Sherloc (09022015). Collection method: clinical testing. Allele origin: germline.
Comment: This sequence change replaces isoleucine, which is neutral and non-polar, with methionine, which is neutral and non-polar, at codon 2770 of the RYR2 protein (p.Ile2770Met). This variant is not present in population databases (gnomAD no frequency). This variant has not been reported in the literature in individuals affected with RYR2-related conditions. ClinVar contains an entry for this variant (Variation ID: 1404940). Invitae Evidence Modeling of protein sequence and biophysical properties (such as structural, functional, and spatial information, amino acid conservation, physicochemical variation, residue mobility, and thermodynamic stability) indicates that this missense variant is not expected to disrupt RYR2 protein function with a negative predictive value of 95%. In summary, the available evidence is currently insufficient to determine the role of this variant in disease. Therefore, it has been classified as a Variant of Uncertain Significance.

Color Diagnostics, LLC DBA Color Health
Classification: Uncertain significance for Cardiomyopathy. Last evaluated: 2024-03-07. Review status: criteria provided, single submitter. Criteria: ACMG Guidelines, 2015. Collection method: clinical testing. Allele origin: germline.
Comment: This missense variant replaces isoleucine with methionine at codon 2770 of the RYR2 protein. Computational prediction is inconclusive regarding the impact of this variant on protein structure and function (internally defined REVEL score threshold 0.5 < inconclusive < 0.7, PMID: 27666373). To our knowledge, functional studies have not been reported for this variant. This variant has not been reported in individuals affected with cardiovascular disorders in the literature. This variant has not been identified in the general population by the Genome Aggregation Database (gnomAD). The available evidence is insufficient to determine the role of this variant in disease conclusively. Therefore, this variant is classified as a Variant of Uncertain Significance.

All of Us Research Program, National Institutes of Health
Classification: Uncertain significance for Catecholaminergic polymorphic ventricular tachycardia. Last evaluated: 2023-08-15. Review status: criteria provided, single submitter. Criteria: ACMG Guidelines, 2015. Collection method: clinical testing. Allele origin: germline. Inheritance: Autosomal dominant inheritance. Observed: 2 variant alleles, 2 heterozygotes.
Comment: This missense variant replaces isoleucine with methionine at codon 2770 of the RYR2 protein. Computational prediction is inconclusive regarding the impact of this variant on protein structure and function (internally defined REVEL score threshold 0.5 < inconclusive < 0.7, PMID: 27666373). To our knowledge, functional studies have not been reported for this variant. This variant has not been reported in individuals affected with cardiovascular disorders in the literature. This variant has not been identified in the general population by the Genome Aggregation Database (gnomAD). The available evidence is insufficient to determine the role of this variant in disease conclusively. Therefore, this variant is classified as a Variant of Uncertain Significance.

This study involves interpretation of variants in research participants for the purpose of population health screening. Participant phenotype was not available at the time of variant classification. Additional details can be found in publication PMID: 35346344, PMCID: PMC8962531

NM_001035.3(RYR2):c.8310T>G (p.Ile2770Met)

Gene: RYR2 (ryanodine receptor 2; plus strand). Cytogenetic location: 1q43.
Variant type: single nucleotide variant.
Coding change: c.8310T>G on transcript NM_001035.3 (MANE Select); coding-DNA position 8310, T replaced by G.
Protein change: p.Ile2770Met; replaces isoleucine 2770 with methionine.
Molecular consequence: missense variant.
Genome position (GRCh38, 1-based): chr1:237,660,821, T>G. VCF-style: chr1-237660821-T-G. GRCh37 (hg19) VCF-style: chr1-237824121-T-G.
Other names: c.8310T>G (NM_001035.2); short protein forms I2770M.
Identifiers: ClinVar variation 1404940 (VCV001404940.14), dbSNP rs974847063, ClinGen allele CA39805940.